The following is an entry in ClinVar:

NM_001042492.3(NF1):c.1392+5G>T

Gene: NF1 (neurofibromin 1; plus strand). Cytogenetic location: 17q11.2.
Variant type: single nucleotide variant.
Coding change: c.1392+5G>T on transcript NM_001042492.3 (MANE Select); 5 bases into the intron after coding-DNA position 1392, G replaced by T.
Molecular consequence: intron variant.
Genome position (GRCh38, 1-based): chr17:31,206,376, G>T. VCF-style: chr17-31206376-G-T. GRCh37 (hg19) VCF-style: chr17-29533394-G-T.
Other names: c.1392+5G>T (NM_001042492.2, NM_000267.4, NM_001128147.3).
Identifiers: ClinVar variation 480071 (VCV000480071.12), dbSNP rs199999754, ClinGen allele CA8485760.

ClinVar aggregate classification (germline): Conflicting classifications of pathogenicity. Review status: criteria provided, conflicting classifications (1 of 4 stars). 7 submissions from 4 submitters: Uncertain significance (3); Benign (2); Likely benign (1). 1 of the submissions does not count toward it. Last evaluated 2022-09-01.

Conditions:
Hereditary cancer-predisposing syndrome. Also called: Hereditary neoplastic syndrome; Neoplastic Syndromes, Hereditary; Tumor predisposition; Hereditary Cancer Syndrome. Identifiers: Orphanet 140162, MedGen C0027672, MeSH D009386, MONDO:0015356.
NF1-related disorder. Also called: NF1-related condition. Identifiers: MedGen CN379171.
Cardiovascular phenotype. Identifiers: MedGen CN230736.
Neurofibromatosis-Noonan syndrome (NFNS). Also called: NEUROFIBROMATOSIS WITH NOONAN PHENOTYPE. Identifiers: Orphanet 638, MedGen C2931482, MONDO:0011035, OMIM 601321. Disease mechanism: loss of function.
Neurofibromatosis, type 1 (NF1). Also called: VON RECKLINGHAUSEN DISEASE; Peripheral type neurofibromatosis; NEUROFIBROMATOSIS, TYPE I, SOMATIC; Neurofibromatosis, type I. Identifiers: Orphanet 636, MedGen C0027831, MONDO:0018975, OMIM 162200. Disease mechanism: loss of function.
Café-au-lait macules with pulmonary stenosis (WTSN). Also called: PULMONIC STENOSIS WITH CAFE-AU-LAIT SPOTS. Identifiers: MedGen C0553586, MONDO:0008672, OMIM 193520.
Neurofibromatosis, familial spinal (FSNF). Identifiers: Orphanet 636, MedGen C1834235, MONDO:0008078, OMIM 162210. Disease mechanism: loss of function.

Allele frequency attached by ClinVar (database versions not stated): ExAC 0.00004; gnomAD exomes 0.00006 and 0.00012; gnomAD 0.00007; TOPMed 0.00008.
gnomAD v4.1: 181 of 1,613,388 alleles (0.011%); highest among the groups gnomAD compares: Non-Finnish European, 0.015%; 1 homozygote.

Submissions (7):

Ambry Genetics
Classification: Benign for Cardiovascular phenotype; Hereditary cancer-predisposing syndrome. Last evaluated: 2022-09-01. Review status: criteria provided, single submitter. Criteria: Ambry Variant Classification Scheme 2023. Collection method: clinical testing. Allele origin: germline.

Sema4
Classification: Likely benign for Hereditary cancer-predisposing syndrome. Last evaluated: 2021-04-08. Review status: criteria provided, single submitter. Criteria: Sema4 Curation Guidelines. Collection method: curation. Allele origin: germline.

Illumina Laboratory Services, Illumina
Classification: Benign for Neurofibromatosis-Noonan syndrome. Last evaluated: 2017-06-06. Review status: criteria provided, single submitter. Criteria: ICSL Variant Classification Criteria 13 December 2019. Collection method: clinical testing. Allele origin: germline.
Comment: This variant was observed as part of a predisposition screen in an ostensibly healthy population. A literature search was performed for the gene, cDNA change, and amino acid change (where applicable). No publications were found based on this search. Allele frequency data from public databases was too high to be consistent with this variant causing disease. Therefore, this variant is classified as benign.

Illumina Laboratory Services, Illumina
Classification: Uncertain significance for Neurofibromatosis, type 1. Last evaluated: 2017-06-06. Review status: criteria provided, single submitter. Criteria: ICSL Variant Classification Criteria 13 December 2019. Collection method: clinical testing. Allele origin: germline.
Comment: This variant was observed as part of a predisposition screen in an ostensibly healthy population. A literature search was performed for the gene, cDNA change, and amino acid change (where applicable). Publications were found based on this search. However, the evidence from the literature, in combination with allele frequency data from public databases where available, was not sufficient to rule this variant in or out of causing disease. Therefore, this variant is classified as a variant of unknown significance.

Illumina Laboratory Services, Illumina
Classification: Uncertain significance for Café-au-lait macules with pulmonary stenosis. Last evaluated: 2017-04-27. Review status: criteria provided, single submitter. Criteria: ICSL Variant Classification Criteria 13 December 2019. Collection method: clinical testing. Allele origin: germline.

Illumina Laboratory Services, Illumina
Classification: Uncertain significance for Neurofibromatosis, familial spinal. Last evaluated: 2017-04-27. Review status: criteria provided, single submitter. Criteria: ICSL Variant Classification Criteria 13 December 2019. Collection method: clinical testing. Allele origin: germline.

PreventionGenetics, part of Exact Sciences
Classification: Likely benign for NF1-related condition. Last evaluated: 2023-11-13. Review status: no assertion criteria provided. Collection method: clinical testing. Allele origin: germline. Not counted in ClinVar's aggregate classification.
Comment: This variant is classified as likely benign based on ACMG/AMP sequence variant interpretation guidelines (Richards et al. 2015 PMID: 25741868, with internal and published modifications).

Literature cited by the submitters: PubMed 26155992 (cited by Illumina Laboratory Services, Illumina).